The following is an entry in ClinVar:

NM_177924.5(ASAH1):c.649-2_649-1del

Gene: ASAH1 (N-acylsphingosine amidohydrolase 1; minus strand). Cytogenetic location: 8p22.
Variant type: Deletion.
Coding change: c.649-2_649-1del on transcript NM_177924.5 (MANE Select); the canonical splice acceptor site of the intron before coding-DNA position 649, 2 bases deleted (AG; older notation c.649-2_649-1delAG).
Molecular consequence: splice acceptor variant.
Genome position (GRCh38, 1-based): chr8:18,061,741-18,061,742, CT deleted on the plus strand (AG on the coding strand, the reverse complement: ASAH1 is on the minus strand). VCF-style (leftmost placement, unchanged base first): chr8-18061740-CCT-C. GRCh37 (hg19) VCF-style: chr8-17919249-CCT-C.
Other names: c.697-2_697-1del (NM_004315.6); c.631-2_631-1del (NM_001127505.3); c.454-2_454-1del (NM_001363743.2).
Identifiers: ClinVar variation 1987955 (VCV001987955.4), dbSNP rs2537925004, ClinGen allele CA2580078031.
Genomic context (GRCh38, chr8:18,061,740, plus strand): 5'-ACTTACCCAGATAACCACCATTTATACTGAAACGTTCATTCAGTGTAAGACTGAACAGTC[CCT>C]GAGAAAAAGACAAAGCAACGAAGTCAGAAACATCAACCATGCGCTTTAAGGCCCTGTCGC-3'

ClinVar aggregate classification (germline): Likely pathogenic (1 of 4 stars; one submission).

Submission:

Labcorp Genetics (formerly Invitae), Labcorp
Classification: Likely pathogenic. Last evaluated: 2022-06-22. Review status: criteria provided, single submitter. Criteria: Invitae Variant Classification Sherloc (09022015). Collection method: clinical testing. Allele origin: germline.
Comment: In summary, the currently available evidence indicates that the variant is pathogenic, but additional data are needed to prove that conclusively. Therefore, this variant has been classified as Likely Pathogenic. Algorithms developed to predict the effect of sequence changes on RNA splicing suggest that this variant may disrupt the consensus splice site. This variant has not been reported in the literature in individuals affected with ASAH1-related conditions. This variant is not present in population databases (gnomAD no frequency). This sequence change affects a splice site in intron 8 of the ASAH1 gene. It is expected to disrupt RNA splicing. Variants that disrupt the donor or acceptor splice site typically lead to a loss of protein function (PMID: 16199547), and loss-of-function variants in ASAH1 are known to be pathogenic (PMID: 24164096, 24355074).

Literature cited by the submitters: PubMed 16199547; PubMed 24164096; PubMed 24355074.